The following is an entry in ClinVar:

NM_001148.6(ANK2):c.7067T>C (p.Phe2356Ser)

Genes: ANK2 (ankyrin 2; plus strand), LOC126807137 (CDK7 strongly-dependent group 2 enhancer GRCh37_chr4:114276560-114277759; plus strand). Cytogenetic location: 4q26.
Variant type: single nucleotide variant.
Coding change: c.7067T>C on transcript NM_001148.6 (MANE Select); coding-DNA position 7067, T replaced by C.
Protein change: p.Phe2356Ser; replaces phenylalanine 2356 with serine.
Molecular consequence: missense variant. On other transcripts: intron variant (68).
Genome position (GRCh38, 1-based): chr4:113,355,685, T>C. VCF-style: chr4-113355685-T-C. GRCh37 (hg19) VCF-style: chr4-114276841-T-C.
Other names: c.6833T>C, p.Phe2278Ser (NM_001386142.1); c.3467T>C, p.Phe1156Ser (NM_001386166.1); c.7208T>C, p.Phe2403Ser (NM_001386174.1); c.7184T>C, p.Phe2395Ser (NM_001386175.1); c.4412-5138T>C (NM_001386186.2, NM_001386148.2); c.4214-5138T>C (NM_001354269.3); c.4292-5138T>C (NM_001386187.2); c.4253-5138T>C (NM_001386147.1); and 35 more; short protein forms F2356S, F2278S, F1156S, F2395S, F2403S.
Identifiers: ClinVar variation 5008673 (VCV005008673.1).
Genomic context (GRCh38, chr4:113,355,685, plus strand): 5'-CTAAAGAGACACCTACAGGACTGACTGAGGAGGCAGCCTGTGATGAAGGTCAACGTACCT[T>C]TGGTAGTTCAGCCCACAAGACACAAACTGATAGTGAGGTTCAAGAATCCACAGCCACCTC-3'
Protein context (NP_001139.3, residues 2346-2366): EAACDEGQRT[Phe2356Ser]GSSAHKTQTD

ClinVar aggregate classification (germline): Uncertain significance (1 of 4 stars; one submission).

Submission:

GeneDx
Classification: Uncertain significance. Last evaluated: 2026-03-10. Review status: criteria provided, single submitter. Criteria: GeneDx Variant Classification Process June 2021. Collection method: clinical testing. Allele origin: germline.
Comment: Not observed at significant frequency in large population cohorts (gnomAD); In silico analysis suggests that this missense variant does not alter protein structure/function; Has not been previously published as pathogenic or benign to our knowledge